The following is an entry in ClinVar:

ClinVar aggregate classification (germline): Uncertain significance (1 of 4 stars; one submission).

Conditions:
SH2B1-related disorder. Also called: SH2B1-related condition.

Submission:

PreventionGenetics, part of Exact Sciences
Classification: Uncertain significance for SH2B1-related condition. Last evaluated: 2026-02-17. Review status: criteria provided, single submitter. Criteria: ACMG Guidelines, 2015. Collection method: clinical testing. Allele origin: germline.
Comment: The SH2B1 c.1442G>T variant is predicted to result in the amino acid substitution p.Gly481Val. To our knowledge, this variant has not been reported in the literature or in a large population database (gnomAD), indicating this variant is rare. At this time, the clinical significance of this variant is uncertain due to the absence of conclusive functional and genetic evidence.

NM_001387430.1(SH2B1):c.1442G>T (p.Gly481Val)

Gene: SH2B1 (SH2B adaptor protein 1; plus strand). Cytogenetic location: 16p11.2.
Variant type: single nucleotide variant.
Coding change: c.1442G>T on transcript NM_001387430.1 (MANE Select); coding-DNA position 1442, G replaced by T.
Protein change: p.Gly481Val; replaces glycine 481 with valine.
Molecular consequence: missense variant.
Genome position (GRCh38, 1-based): chr16:28,871,912, G>T. VCF-style: chr16-28871912-G-T. GRCh37 (hg19) VCF-style: chr16-28883233-G-T.
Other names: c.1442G>T, p.Gly481Val (NM_001145795.2, NM_001145796.2, NM_001145797.2 and 4 more transcripts); c.434G>T, p.Gly145Val (NM_001308294.2); short protein forms G145V, G481V.
Identifiers: ClinVar variation 4994193 (VCV004994193.1).